The following is an entry in ClinVar:

ClinVar aggregate classification (germline): Uncertain significance. Review status: criteria provided, multiple submitters, no conflicts (2 of 4 stars). 4 submissions from 4 submitters: Uncertain significance (4). Last evaluated 2026-08-03.

Conditions:
WFS1-related disorder. Identifiers: MedGen CN379391, MONDO:0700293.

Allele frequency attached by ClinVar (database versions not stated): ExAC 0.00001; gnomAD 0.00002; TOPMed 0.00002; gnomAD exomes 0.00003.
gnomAD v4.1: 46 of 1,612,964 alleles (0.0029%); highest among the groups gnomAD compares: Non-Finnish European, 0.0036%; no homozygotes.

Submissions (4):

PreventionGenetics, part of Exact Sciences
Classification: Uncertain significance for WFS1-related condition. Last evaluated: 2026-08-03. Review status: criteria provided, single submitter. Criteria: ACMG Guidelines, 2015. Collection method: clinical testing. Allele origin: germline.
Comment: The WFS1 c.2581G>A variant is predicted to result in the amino acid substitution p.Val861Met. To our knowledge, this variant has not been reported in the literature. This variant is reported in 0.0062% of alleles in individuals of European (Non-Finnish) descent in gnomAD. At this time, the clinical significance of this variant is uncertain due to the absence of conclusive functional and genetic evidence.

Women's Health and Genetics/Laboratory Corporation of America, LabCorp
Classification: Uncertain significance. Last evaluated: 2026-05-20. Review status: criteria provided, single submitter. Criteria: LabCorp Variant Classification Summary - May 2015. Collection method: clinical testing. Allele origin: germline.
Comment: Variant summary: WFS1 c.2581G>A (p.Val861Met) results in a conservative amino acid change in the encoded protein sequence. Algorithms developed to predict the effect of missense changes on protein structure and function are either unavailable or do not agree on the potential impact of this missense change. The variant allele was found at a frequency of 3.2e-05 in 250144 control chromosomes. The available data on variant occurrences in the general population are insufficient to allow any conclusion about variant significance. To our knowledge, c.2581G>A has not been observed in individual(s) affected with WFS1-related conditions and no experimental evidence demonstrating an impact on protein function has been reported. ClinVar contains an entry for this variant (Variation ID: 1315598). Based on the evidence outlined above, the variant was classified as uncertain significance.

Labcorp Genetics (formerly Invitae), Labcorp
Classification: Uncertain significance. Last evaluated: 2025-12-30. Review status: criteria provided, single submitter. Criteria: Invitae Variant Classification Sherloc (09022015). Collection method: clinical testing. Allele origin: germline.
Comment: This sequence change replaces valine, which is neutral and non-polar, with methionine, which is neutral and non-polar, at codon 861 of the WFS1 protein (p.Val861Met). This variant is present in population databases (rs752775825, gnomAD 0.006%). This variant has not been reported in the literature in individuals affected with WFS1-related conditions. ClinVar contains an entry for this variant (Variation ID: 1315598). Invitae Evidence Modeling of protein sequence and biophysical properties (such as structural, functional, and spatial information, amino acid conservation, physicochemical variation, residue mobility, and thermodynamic stability) has been performed for this missense variant. However, the output from this modeling did not meet the statistical confidence thresholds required to predict the impact of this variant on WFS1 protein function. In summary, the available evidence is currently insufficient to determine the role of this variant in disease. Therefore, it has been classified as a Variant of Uncertain Significance.

GeneDx
Classification: Uncertain significance. Last evaluated: 2019-04-17. Review status: criteria provided, single submitter. Criteria: GeneDx Variant Classification Process June 2021. Collection method: clinical testing. Allele origin: germline. Affected: yes.
Comment: Not observed at a significant frequency in large population cohorts (Lek et al., 2016); In silico analysis, which includes protein predictors and evolutionary conservation, supports that this variant does not alter protein structure/function; Has not been previously published as pathogenic or benign to our knowledge

Literature cited by the submitters: PubMed 20028947 (cited by Women's Health and Genetics/Laboratory Corporation of America, LabCorp).

NM_006005.3(WFS1):c.2581G>A (p.Val861Met)

Gene: WFS1 (wolframin ER transmembrane glycoprotein; plus strand). Cytogenetic location: 4p16.1.
Variant type: single nucleotide variant.
Coding change: c.2581G>A on transcript NM_006005.3 (MANE Select); coding-DNA position 2581, G replaced by A.
Protein change: p.Val861Met; replaces valine 861 with methionine.
Molecular consequence: missense variant.
Genome position (GRCh38, 1-based): chr4:6,302,376, G>A. VCF-style: chr4-6302376-G-A. GRCh37 (hg19) VCF-style: chr4-6304103-G-A.
Other names: c.2581G>A, p.Val861Met (NM_001145853.1); short protein forms V861M.
Identifiers: ClinVar variation 1315598 (VCV001315598.9), dbSNP rs752775825, ClinGen allele CA2839789.